The following is an entry in ClinVar:

NM_000535.7(PMS2):c.1019A>G (p.Lys340Arg)

Gene: PMS2 (PMS1 homolog 2, mismatch repair system component; minus strand). Cytogenetic location: 7p22.1.
Variant type: single nucleotide variant.
Coding change: c.1019A>G on transcript NM_000535.7 (MANE Select); coding-DNA position 1019, A replaced by G.
Protein change: p.Lys340Arg; replaces lysine 340 with arginine.
Molecular consequence: missense variant. On other transcripts: non-coding transcript variant (1), intron variant (10).
Genome position (GRCh38, 1-based): chr7:5,989,925, T>C on the plus strand (A>G on the coding strand, the complement: PMS2 is on the minus strand). VCF-style: chr7-5989925-T-C. GRCh37 (hg19) VCF-style: chr7-6029556-T-C.
Other names: c.614A>G, p.Lys205Arg (NM_001322003.2, NM_001322004.2, NM_001322005.2 and 16 more transcripts); c.701A>G, p.Lys234Arg (NM_001322007.2, NM_001322008.2, NM_001406876.1 and 2 more transcripts); c.86A>G, p.Lys29Arg (NM_001322011.2, NM_001322012.2); c.446A>G, p.Lys149Arg (NM_001322013.2, NM_001406909.1); c.1019A>G, p.Lys340Arg (NM_001322014.2, NM_001406871.1, NM_001406872.1); c.710A>G, p.Lys237Arg (NM_001322015.2, NM_001406875.1, NM_001406877.1 and 5 more transcripts); c.1205A>G, p.Lys402Arg (NM_001406866.1); c.1043A>G, p.Lys348Arg (NM_001406868.1); and 13 more; short protein forms K169R, K205R, K284R, K237R, K274R, K304R, K348R, K228R.
Identifiers: ClinVar variation 4773639 (VCV004773639.1).

ClinVar aggregate classification (germline): Uncertain significance (1 of 4 stars; one submission).

Conditions:
Hereditary nonpolyposis colorectal neoplasms. Identifiers: MedGen C0009405, MeSH D003123.

Submission:

Labcorp Genetics (formerly Invitae), Labcorp
Classification: Uncertain significance for Hereditary nonpolyposis colorectal neoplasms. Last evaluated: 2025-11-23. Review status: criteria provided, single submitter. Criteria: Invitae Variant Classification Sherloc (09022015). Collection method: clinical testing. Allele origin: germline.
Comment: This sequence change replaces lysine, which is basic and polar, with arginine, which is basic and polar, at codon 340 of the PMS2 protein (p.Lys340Arg). This variant is not present in population databases (gnomAD no frequency). This variant has not been reported in the literature in individuals affected with PMS2-related conditions. Invitae Evidence Modeling incorporating data from in vitro experimental studies (internal data) indicates that this missense variant is not expected to disrupt PMS2 function with a negative predictive value of 95%. In summary, the available evidence is currently insufficient to determine the role of this variant in disease. Therefore, it has been classified as a Variant of Uncertain Significance.